The following is an entry in ClinVar:

NM_182961.4(SYNE1):c.14638G>C (p.Glu4880Gln)

Gene: SYNE1 (spectrin repeat containing nuclear envelope protein 1; minus strand). Cytogenetic location: 6q25.2.
Variant type: single nucleotide variant.
Coding change: c.14638G>C on transcript NM_182961.4 (MANE Select); coding-DNA position 14638, G replaced by C.
Protein change: p.Glu4880Gln; replaces glutamic acid 4880 with glutamine.
Molecular consequence: missense variant.
Genome position (GRCh38, 1-based): chr6:152,330,047, C>G on the plus strand (G>C on the coding strand, the complement: SYNE1 is on the minus strand). VCF-style: chr6-152330047-C-G. GRCh37 (hg19) VCF-style: chr6-152651182-C-G.
Other names: c.14425G>C, p.Glu4809Gln (NM_033071.5); short protein forms E4809Q, E4880Q.
Identifiers: ClinVar variation 286033 (VCV000286033.6), dbSNP rs886043284, ClinGen allele CA10605335.

ClinVar aggregate classification (germline): Uncertain significance. Review status: criteria provided, multiple submitters, no conflicts (2 of 4 stars). 2 submissions from 2 submitters: Uncertain significance (2). Last evaluated 2025-02-06.

Conditions:
Autosomal recessive ataxia, Beauce type. Also called: Spinocerebellar ataxia, autosomal recessive 8; ATAXIA, RECESSIVE, OF BEAUCE; SYNE1 Deficiency; SYNE1-Related Autosomal Recessive Cerebellar Ataxia. Identifiers: Orphanet 88644, MedGen C1853116, MONDO:0012549, OMIM 610743.
Emery-Dreifuss muscular dystrophy 4, autosomal dominant (EDMD4). Also called: EMERY-DREIFUSS MUSCULAR DYSTROPHY 4 WITH VARIABLE FEATURES. Identifiers: Orphanet 261, MedGen C2751807, MONDO:0013071, OMIM 612998.

Submissions (2):

Labcorp Genetics (formerly Invitae), Labcorp
Classification: Uncertain significance for Emery-Dreifuss muscular dystrophy 4, autosomal dominant; Autosomal recessive ataxia, Beauce type. Last evaluated: 2025-02-06. Review status: criteria provided, single submitter. Criteria: Invitae Variant Classification Sherloc (09022015). Collection method: clinical testing. Allele origin: germline.
Comment: This sequence change replaces glutamic acid, which is acidic and polar, with glutamine, which is neutral and polar, at codon 4809 of the SYNE1 protein (p.Glu4809Gln). This variant is not present in population databases (gnomAD no frequency). This variant has not been reported in the literature in individuals affected with SYNE1-related conditions. ClinVar contains an entry for this variant (Variation ID: 286033). An algorithm developed to predict the effect of missense changes on protein structure and function (PolyPhen-2) suggests that this variant is likely to be disruptive. In summary, the available evidence is currently insufficient to determine the role of this variant in disease. Therefore, it has been classified as a Variant of Uncertain Significance.

Eurofins Ntd Llc (ga)
Classification: Uncertain significance. Last evaluated: 2016-02-04. Review status: criteria provided, single submitter. Criteria: EGL Classification Definitions 2015. Collection method: clinical testing. Allele origin: germline. Observed: 2 variant alleles, 2 heterozygotes.